The following is an entry in ClinVar:

NM_203290.4(POLR1C):c.205G>T (p.Asp69Tyr)

Gene: POLR1C (RNA polymerase I and III subunit C; plus strand). Cytogenetic location: 6p21.1.
Variant type: single nucleotide variant.
Coding change: c.205G>T on transcript NM_203290.4 (MANE Select); coding-DNA position 205, G replaced by T.
Protein change: p.Asp69Tyr; replaces aspartic acid 69 with tyrosine.
Molecular consequence: missense variant.
Genome position (GRCh38, 1-based): chr6:43,519,396, G>T. VCF-style: chr6-43519396-G-T. GRCh37 (hg19) VCF-style: chr6-43487134-G-T.
Other names: c.205G>T (NM_203290.2); c.205G>T, p.Asp69Tyr (NM_001318876.2, NM_001363658.2); short protein forms D69Y.
Identifiers: ClinVar variation 2627110 (VCV002627110.3), dbSNP rs1793020065, ClinGen allele CA364281181.

ClinVar aggregate classification (germline): Conflicting classifications of pathogenicity. Review status: criteria provided, conflicting classifications (1 of 4 stars). 3 submissions from 3 submitters: Likely pathogenic (2); Uncertain significance (1). Last evaluated 2025-06-29.

Conditions:
Leukodystrophy, hypomyelinating, 11. Identifiers: Orphanet 88637, MedGen C4225305, MONDO:0014666, OMIM 616494.

Allele frequency attached by ClinVar (database versions not stated): TOPMed below 0.00001.

Submissions (3):

Labcorp Genetics (formerly Invitae), Labcorp
Classification: Uncertain significance. Last evaluated: 2025-06-29. Review status: criteria provided, single submitter. Criteria: Invitae Variant Classification Sherloc (09022015). Collection method: clinical testing. Allele origin: germline.
Comment: This sequence change replaces aspartic acid, which is acidic and polar, with tyrosine, which is neutral and polar, at codon 69 of the POLR1C protein (p.Asp69Tyr). This variant is not present in population databases (gnomAD no frequency). This missense change has been observed in individual(s) with POLR1C-related conditions (PMID: 37267771). It has also been observed to segregate with disease in related individuals. ClinVar contains an entry for this variant (Variation ID: 2627110). Invitae Evidence Modeling of protein sequence and biophysical properties (such as structural, functional, and spatial information, amino acid conservation, physicochemical variation, residue mobility, and thermodynamic stability) indicates that this missense variant is not expected to disrupt POLR1C protein function with a negative predictive value of 80%. In summary, the available evidence is currently insufficient to determine the role of this variant in disease. Therefore, it has been classified as a Variant of Uncertain Significance.

GeneDx
Classification: Likely pathogenic. Last evaluated: 2025-06-16. Review status: criteria provided, single submitter. Criteria: GeneDx Variant Classification Process June 2021. Collection method: clinical testing. Allele origin: germline. Affected: yes.
Comment: In silico analysis supports that this missense variant has a deleterious effect on protein structure/function; Not observed at significant frequency in large population cohorts (gnomAD); This variant is associated with the following publications: (PMID: Alsalah_2025, 37267771)

Hadassah Hebrew University Medical Center
Classification: Likely pathogenic for Leukodystrophy, hypomyelinating, 11. Review status: criteria provided, single submitter. Criteria: ACMG Guidelines, 2015. Collection method: clinical testing. Allele origin: germline. Inheritance: Autosomal recessive inheritance. Affected: yes.

Literature cited by the submitters: PubMed 37267771 (cited by Labcorp Genetics (formerly Invitae), Labcorp).